The following is an entry in ClinVar:

NC_000003.11:g.(?_70013978)_(70014399_?)dup

Gene: MITF (melanocyte inducing transcription factor; plus strand). Cytogenetic location: 3p13.
Variant type: Duplication.
Identifiers: ClinVar variation 2422631 (VCV002422631.4).

ClinVar aggregate classification (germline): Uncertain significance (1 of 4 stars; one submission).

Conditions:
Melanoma, cutaneous malignant, susceptibility to, 8. Also called: Cutaneous malignant melanoma 8; MELANOMA AND RENAL CELL CARCINOMA, SUSCEPTIBILITY TO. Identifiers: Orphanet 293822, MedGen C3152204, MONDO:0013759, OMIM 614456.
Waardenburg syndrome type 2A (WS2A). Also called: WAARDENBURG SYNDROME WITHOUT DYSTOPIA CANTHORUM. Identifiers: Orphanet 3440, MedGen C1860339, MONDO:0008671, OMIM 193510.
Tietz syndrome (TADS). Also called: TIETZ ALBINISM-DEAFNESS SYNDROME; HYPOPIGMENTATION/DEAFNESS OF TIETZ; ALBINISM-DEAFNESS OF TIETZ. Identifiers: Orphanet 42665, MedGen C0391816, MONDO:0007077, OMIM 103500.

Submission:

Labcorp Genetics (formerly Invitae), Labcorp
Classification: Uncertain significance for Melanoma, cutaneous malignant, susceptibility to, 8; Waardenburg syndrome type 2A; Tietz syndrome. Last evaluated: 2022-07-22. Review status: criteria provided, single submitter. Criteria: Invitae Variant Classification Sherloc (09022015). Collection method: clinical testing. Allele origin: germline.
Comment: In summary, the available evidence is currently insufficient to determine the role of this variant in disease. Therefore, it has been classified as a Variant of Uncertain Significance. This variant has not been reported in the literature in individuals affected with MITF-related conditions. This variant results in a copy number gain of the genomic region encompassing exon(s) 9 of the MITF gene. This region includes the termination codon of the gene. This copy number gain extends beyond the assayed region for this gene and therefore may encompass additional genes. As the precise location of this event is unknown, it may be in tandem or it may be located elsewhere in the genome.